The following is an entry in ClinVar:

NM_198578.4(LRRK2):c.5857G>T (p.Gly1953Cys)

Gene: LRRK2 (leucine rich repeat kinase 2; plus strand). Cytogenetic location: 12q12.
Variant type: single nucleotide variant.
Coding change: c.5857G>T on transcript NM_198578.4 (MANE Select); coding-DNA position 5857, G replaced by T.
Protein change: p.Gly1953Cys; replaces glycine 1953 with cysteine.
Molecular consequence: missense variant.
Genome position (GRCh38, 1-based): chr12:40,335,066, G>T. VCF-style: chr12-40335066-G-T. GRCh37 (hg19) VCF-style: chr12-40728868-G-T.
Other names: short protein forms G1953C.
Identifiers: ClinVar variation 1750099 (VCV001750099.2), dbSNP rs201968874, ClinGen allele CA384402178.
Genomic context (GRCh38, chr12:40,335,066, plus strand): 5'-ATATCTTTGCTGGCAGCTGGGATTCGTCCCCGGATGTTGGTGATGGAGTTAGCCTCCAAG[G>T]GTTCCTTGGATCGCCTGCTTCAGCAGGACAAAGCCAGCCTCACTAGAACCCTACAGCACA-3'
Protein context (NP_940980.4, residues 1943-1963): RMLVMELASK[Gly1953Cys]SLDRLLQQDK

ClinVar aggregate classification (germline): Uncertain significance (1 of 4 stars; one submission).

Conditions:
Inborn genetic diseases. Identifiers: MedGen C0950123, MeSH D030342.

Submission:

Ambry Genetics
Classification: Uncertain significance for Inborn genetic diseases. Last evaluated: 2022-04-09. Review status: criteria provided, single submitter. Criteria: Ambry Variant Classification Scheme 2023. Collection method: clinical testing. Allele origin: germline.
Comment: The p.G1953C variant (also known as c.5857G>T), located in coding exon 40 of the LRRK2 gene, results from a G to T substitution at nucleotide position 5857. The glycine at codon 1953 is replaced by cysteine, an amino acid with highly dissimilar properties. This amino acid position is conserved. In addition, this alteration is predicted to be deleterious by in silico analysis. Since supporting evidence is limited at this time, the clinical significance of this alteration remains unclear.